The following is an entry in ClinVar:

NM_006904.7(PRKDC):c.3270-11_3270-10dup

Gene: PRKDC (protein kinase, DNA-activated, catalytic subunit; minus strand). Cytogenetic location: 8q11.21.
Variant type: Duplication.
Coding change: c.3270-11_3270-10dup on transcript NM_006904.7 (MANE Select); 11 bases into the intron before coding-DNA position 3270 through 10 bases into the intron before coding-DNA position 3270, 2 bases duplicated (TT; older notation c.3270-11_3270-10dupTT).
Molecular consequence: intron variant.
Genome position (GRCh38, 1-based): chr8:47,900,477-47,900,478, AA duplicated on the plus strand (TT on the coding strand, the reverse complement: PRKDC is on the minus strand); duplicating any 2 consecutive bases within chr8:47,900,477-47,900,479 gives the same sequence; the c. name uses the placement nearest the transcript's 3' end. VCF-style (leftmost placement, unchanged base first): chr8-47900476-T-TAA. GRCh37 (hg19) VCF-style: chr8-48813036-T-TAA.
Other names: c.3270-11_3270-10dup (NM_001081640.2).
Identifiers: ClinVar variation 3035699 (VCV003035699.2), dbSNP rs772109927, ClinGen allele CA4741232.

ClinVar aggregate classification (germline): Likely benign (0 of 4 stars; one submission).

Conditions:
PRKDC-related disorder. Also called: PRKDC-related condition.

Submission:

PreventionGenetics, part of Exact Sciences
Classification: Likely benign for PRKDC-related condition. Last evaluated: 2019-07-31. Review status: no assertion criteria provided. Collection method: clinical testing. Allele origin: germline.
Comment: This variant is classified as likely benign based on ACMG/AMP sequence variant interpretation guidelines (Richards et al. 2015 PMID: 25741868, with internal and published modifications).